The following is an entry in ClinVar:

ClinVar aggregate classification (germline): Uncertain significance (1 of 4 stars; one submission).

Allele frequency attached by ClinVar (database versions not stated): TOPMed 0.00003; gnomAD 0.00002.

Submission:

Mayo Clinic Laboratories, Mayo Clinic
Classification: Uncertain significance. Last evaluated: 2025-07-16. Review status: criteria provided, single submitter. Criteria: ACMG Guidelines, 2015. Collection method: clinical testing. Allele origin: germline. Observed: 2 variant alleles.
Comment: BP4_moderate, PM2_supporting

NM_000081.4(LYST):c.8590A>G (p.Thr2864Ala)

Gene: LYST (lysosomal trafficking regulator; minus strand). Cytogenetic location: 1q42.3.
Variant type: single nucleotide variant.
Coding change: c.8590A>G on transcript NM_000081.4 (MANE Select); coding-DNA position 8590, A replaced by G.
Protein change: p.Thr2864Ala; replaces threonine 2864 with alanine.
Molecular consequence: missense variant.
Genome position (GRCh38, 1-based): chr1:235,733,852, T>C on the plus strand (A>G on the coding strand, the complement: LYST is on the minus strand). VCF-style: chr1-235733852-T-C. GRCh37 (hg19) VCF-style: chr1-235897152-T-C.
Other names: p.Thr2864Ala; c.8590A>G, p.Thr2864Ala (NM_001301365.1); short protein forms T2864A.
Identifiers: ClinVar variation 2682722 (VCV002682722.2), dbSNP rs1410761059, ClinGen allele CA344920650.